The following is an entry in ClinVar:

ClinVar aggregate classification (germline): Pathogenic/Likely pathogenic. Review status: criteria provided, multiple submitters, no conflicts (2 of 4 stars). 5 submissions from 5 submitters: Pathogenic (2); Likely pathogenic (2). 1 of the submissions does not count toward it. Last evaluated 2025-04-28.

Conditions:
ABCA4-related disorder. Also called: ABCA4-related disorders; ABCA4-related condition. Identifiers: MedGen CN239167.
Retinal dystrophy. Also called: Inherited retinal dystrophy. Identifiers: Orphanet 71862, MedGen C0854723, MeSH D058499, MONDO:0019118, HP:0000556.
Retinitis pigmentosa (RP). Identifiers: Orphanet 791, MedGen C0035334, MeSH D012174, MONDO:0019200, OMIM 268000. Inheritance: Autosomal dominant, autosomal recessive and X linked inheritance.

Allele frequency attached by ClinVar (database versions not stated): gnomAD exomes 0.00001.
gnomAD v4.1: 8 of 1,613,764 alleles (0.0005%); highest among the groups gnomAD compares: African/African-American, 0.0013%; no homozygotes.

Submissions (5):

Labcorp Genetics (formerly Invitae), Labcorp
Classification: Pathogenic. Last evaluated: 2025-04-28. Review status: criteria provided, single submitter. Criteria: Invitae Variant Classification Sherloc (09022015). Collection method: clinical testing. Allele origin: germline.
Comment: This sequence change replaces isoleucine, which is neutral and non-polar, with valine, which is neutral and non-polar, at codon 1409 of the ABCA4 protein (p.Ile1409Val). This variant is not present in population databases (gnomAD no frequency). This missense change has been observed in individual(s) with Stargardt disease (PMID: 20647261; internal data). In at least one individual the data is consistent with being in trans (on the opposite chromosome) from a pathogenic variant. ClinVar contains an entry for this variant (Variation ID: 1066342). Invitae Evidence Modeling of protein sequence and biophysical properties (such as structural, functional, and spatial information, amino acid conservation, physicochemical variation, residue mobility, and thermodynamic stability) has been performed for this missense variant. However, the output from this modeling did not meet the statistical confidence thresholds required to predict the impact of this variant on ABCA4 protein function. Algorithms developed to predict the effect of sequence changes on RNA splicing suggest that this variant may disrupt the consensus splice site. For these reasons, this variant has been classified as Pathogenic.

Women's Health and Genetics/Laboratory Corporation of America, LabCorp
Classification: Likely pathogenic for Retinitis pigmentosa. Last evaluated: 2025-03-04. Review status: criteria provided, single submitter. Criteria: LabCorp Variant Classification Summary - May 2015. Collection method: clinical testing. Allele origin: germline.
Comment: Variant summary: ABCA4 c.4225A>G (p.Ile1409Val) results in a conservative amino acid change in the encoded protein sequence. Three of five in-silico tools predict a damaging effect of the variant on protein function. The variant was absent in 251362 control chromosomes. c.4225A>G has been reported in the literature in individuals affected with Stargardt disease and Retinitis Pigmentosa (example: Schindler_2010, Hull_2020, Sahin_2024, Internal data). These data indicate that the variant is likely to be associated with disease. The following publications have been ascertained in the context of this evaluation (PMID: 20647261, 28559085, 32856788, 38465142). ClinVar contains an entry for this variant (Variation ID: 1066342). Based on the evidence outlined above, the variant was classified as likely pathogenic.

Blueprint Genetics
Classification: Pathogenic for ABCA4-related disorders. Last evaluated: 2024-10-11. Review status: criteria provided, single submitter. Criteria: ACMG Guidelines, 2015. Collection method: clinical testing. Allele origin: germline. Affected: yes. Observed: 5 variant alleles.

Institute of Human Genetics, Univ. Regensburg, Univ. Regensburg
Classification: Likely pathogenic for Retinal dystrophy. Last evaluated: 2021-01-01. Review status: criteria provided, single submitter. Criteria: ACMG Guidelines, 2015. Collection method: clinical testing. Allele origin: germline. Affected: yes.

GeneDx
Classification: Likely benign. Last evaluated: 2015-03-03. Review status: flagged submission. Criteria: GeneDx Variant Classification Process June 2021. Collection method: clinical testing. Allele origin: germline. Affected: yes. Not counted in ClinVar's aggregate classification.
Comment: See Variant Classification Assertion Criteria.
ClinVar note: Reason: Older claim that does not account for recent evidence

Literature cited by the submitters: PubMed 20647261 (cited by 3 submitters); PubMed 28559085 (cited by Women's Health and Genetics/Laboratory Corporation of America, LabCorp and Institute of Human Genetics, Univ. Regensburg, Univ. Regensburg); PubMed 32856788 (cited by Women's Health and Genetics/Laboratory Corporation of America, LabCorp and Institute of Human Genetics, Univ. Regensburg, Univ. Regensburg); PubMed 38465142 (cited by Women's Health and Genetics/Laboratory Corporation of America, LabCorp); PubMed 32307445 (cited by Institute of Human Genetics, Univ. Regensburg, Univ. Regensburg).

NM_000350.3(ABCA4):c.4225A>G (p.Ile1409Val)

Gene: ABCA4 (ATP binding cassette subfamily A member 4; minus strand). Cytogenetic location: 1p22.1.
Variant type: single nucleotide variant.
Coding change: c.4225A>G on transcript NM_000350.3 (MANE Select); coding-DNA position 4225, A replaced by G.
Protein change: p.Ile1409Val; replaces isoleucine 1409 with valine.
Molecular consequence: missense variant.
Genome position (GRCh38, 1-based): chr1:94,031,024, T>C on the plus strand (A>G on the coding strand, the complement: ABCA4 is on the minus strand). VCF-style: chr1-94031024-T-C. GRCh37 (hg19) VCF-style: chr1-94496580-T-C.
Other names: c.4003A>G, p.Ile1335Val (NM_001425324.1); short protein forms I1409V, I1335V.
Identifiers: ClinVar variation 1066342 (VCV001066342.11), dbSNP rs2101035728, ClinGen allele CA341286133.